The following is an entry in ClinVar:

ClinVar aggregate classification (germline): Uncertain significance (1 of 4 stars; one submission).

Conditions:
Cardiomyopathy (CMYO). Also called: Cardiomyopathies. Identifiers: Orphanet 167848, MedGen C0878544, MONDO:0004994, HP:0001638. Inheritance: Various modes of inheritance.

Submission:

Color Diagnostics, LLC DBA Color Health
Classification: Uncertain significance for Cardiomyopathy. Last evaluated: 2025-09-11. Review status: criteria provided, single submitter. Criteria: ACMG Guidelines, 2015. Collection method: clinical testing. Allele origin: germline.
Comment: This missense variant replaces glutamine with lysine at codon 172 of the PRKAG2 protein. Computational prediction suggests that this variant may not impact protein structure and function. To our knowledge, functional studies have not been reported for this variant. This variant has not been reported in individuals affected with PRKAG2-related disorders in the literature. This variant has not been identified in the general population by the Genome Aggregation Database (gnomAD). The available evidence is insufficient to determine the role of this variant in disease conclusively. Therefore, this variant is classified as a Variant of Uncertain Significance.

NM_016203.4(PRKAG2):c.514C>A (p.Gln172Lys)

Gene: PRKAG2 (protein kinase AMP-activated non-catalytic subunit gamma 2; minus strand). Cytogenetic location: 7q36.1.
Variant type: single nucleotide variant.
Coding change: c.514C>A on transcript NM_016203.4 (MANE Select); coding-DNA position 514, C replaced by A.
Protein change: p.Gln172Lys; replaces glutamine 172 with lysine.
Molecular consequence: missense variant. On other transcripts: intron variant (5).
Genome position (GRCh38, 1-based): chr7:151,675,590, G>T on the plus strand (C>A on the coding strand, the complement: PRKAG2 is on the minus strand). VCF-style: chr7-151675590-G-T. GRCh37 (hg19) VCF-style: chr7-151372676-G-T.
Other names: c.382C>A, p.Gln128Lys (NM_001040633.2, NM_001407024.1, NM_001407026.1 and 1 more transcripts); c.142C>A, p.Gln48Lys (NM_001304527.2, NM_001363698.2, NM_001407028.1 and 1 more transcripts); c.514C>A, p.Gln172Lys (NM_001407021.1, NM_001407022.1, NM_001407023.1); c.196C>A, p.Gln66Lys (NM_001407032.1); c.467-80139C>A (NM_001407031.1); c.467-80136C>A (NM_001407030.1); c.361-43452C>A (NM_001407033.1); c.94+60310C>A (NM_001407037.1); and 1 more; short protein forms Q128K, Q172K, Q48K, Q66K.
Identifiers: ClinVar variation 4758406 (VCV004758406.1).